The following is an entry in ClinVar:

NM_001999.4(FBN2):c.5741G>A (p.Ser1914Asn)

Gene: FBN2 (fibrillin 2; minus strand). Cytogenetic location: 5q23.3.
Variant type: single nucleotide variant.
Coding change: c.5741G>A on transcript NM_001999.4 (MANE Select); coding-DNA position 5741, G replaced by A.
Protein change: p.Ser1914Asn; replaces serine 1914 with asparagine.
Molecular consequence: missense variant.
Genome position (GRCh38, 1-based): chr5:128,305,016, C>T on the plus strand (G>A on the coding strand, the complement: FBN2 is on the minus strand). VCF-style: chr5-128305016-C-T. GRCh37 (hg19) VCF-style: chr5-127640708-C-T.
Other names: short protein forms S1914N.
Identifiers: ClinVar variation 3008534 (VCV003008534.3), dbSNP rs1295429807, ClinGen allele CA360739970.

ClinVar aggregate classification (germline): Uncertain significance (1 of 4 stars; one submission).

Conditions:
Congenital contractural arachnodactyly (CCA). Also called: BEALS SYNDROME; Beals-Hecht syndrome; Arthrogryposis, distal, type 9. Identifiers: Orphanet 115, MedGen C0220668, MONDO:0007363, OMIM 121050.

Allele frequency attached by ClinVar (database versions not stated): gnomAD exomes 0.00001.
gnomAD v4.1: 4 of 1,613,802 alleles (0.00025%); highest among the groups gnomAD compares: Non-Finnish European, 0.00034%; no homozygotes.

Submission:

Labcorp Genetics (formerly Invitae), Labcorp
Classification: Uncertain significance for Congenital contractural arachnodactyly. Last evaluated: 2023-11-21. Review status: criteria provided, single submitter. Criteria: Invitae Variant Classification Sherloc (09022015). Collection method: clinical testing. Allele origin: germline.
Comment: This sequence change replaces serine, which is neutral and polar, with asparagine, which is neutral and polar, at codon 1914 of the FBN2 protein (p.Ser1914Asn). This variant is present in population databases (no rsID available, gnomAD 0.0009%). This variant has not been reported in the literature in individuals affected with FBN2-related conditions. Advanced modeling of protein sequence and biophysical properties (such as structural, functional, and spatial information, amino acid conservation, physicochemical variation, residue mobility, and thermodynamic stability) has been performed at Invitae for this missense variant, however the output from this modeling did not meet the statistical confidence thresholds required to predict the impact of this variant on FBN2 protein function. In summary, the available evidence is currently insufficient to determine the role of this variant in disease. Therefore, it has been classified as a Variant of Uncertain Significance.